The following is an entry in ClinVar:

NM_003924.4(PHOX2B):c.*9C>T

Gene: PHOX2B (paired like homeobox 2B; minus strand). Cytogenetic location: 4p13.
Variant type: single nucleotide variant.
Coding change: c.*9C>T on transcript NM_003924.4 (MANE Select); 9 bases downstream of the stop codon, C replaced by T.
Molecular consequence: 3 prime UTR variant.
Genome position (GRCh38, 1-based): chr4:41,745,798, G>A on the plus strand (C>T on the coding strand, the complement: PHOX2B is on the minus strand). VCF-style: chr4-41745798-G-A. GRCh37 (hg19) VCF-style: chr4-41747815-G-A.
Identifiers: ClinVar variation 3340213 (VCV003340213.1).
Genomic context (GRCh38, chr4:41,745,798, plus strand): 5'-GCCCACTCGCCCGCCCGGGCCCTGGCTCGCCCGCTGTCGCCGCCGCCGCCGCCGCCGCAG[G>A]ATTCCAGATCAGAACATACTGCTCTTCACTAAGGCGGCTTTGGCACCGTTGGGTCTTTGG-3'

ClinVar aggregate classification (germline): Uncertain significance (1 of 4 stars; one submission).

Submission:

GeneDx
Classification: Uncertain significance. Last evaluated: 2023-11-22. Review status: criteria provided, single submitter. Criteria: GeneDx Variant Classification Process June 2021. Collection method: clinical testing. Allele origin: germline. Affected: yes.
Comment: Not observed at significant frequency in large population cohorts (gnomAD); Located in a region that tolerates variation and lacks pathogenic variants; Has not been previously published as pathogenic or benign to our knowledge